The following is an entry in ClinVar:

NM_001077653.2(TBX20):c.526_539del (p.Asp176fs)

Gene: TBX20 (T-box transcription factor 20; minus strand). Cytogenetic location: 7p14.2.
Variant type: Deletion.
Coding change: c.526_539del on transcript NM_001077653.2 (MANE Select); coding-DNA positions 526 to 539, 14 bases deleted (GACCCGCCGTTGCC).
Protein change: p.Asp176fs; shifts the reading frame from aspartic acid 176.
Molecular consequence: frameshift variant.
Genome position (GRCh38, 1-based): chr7:35,248,683-35,248,696, GGCAACGGCGGGTC deleted on the plus strand (GACCCGCCGTTGCC on the coding strand, the reverse complement: TBX20 is on the minus strand); deleting any 14 consecutive bases within chr7:35,248,683-35,248,699 gives the same sequence; the c. name uses the placement nearest the transcript's 3' end. VCF-style (leftmost placement, unchanged base first): chr7-35248682-TGGCAACGGCGGGTC-T. GRCh37 (hg19) VCF-style: chr7-35288294-TGGCAACGGCGGGTC-T.
Other names: c.526_539del, p.Asp176fs (NM_001166220.1); short protein forms D176fs.
Identifiers: ClinVar variation 2754523 (VCV002754523.3), dbSNP rs2546996345, ClinGen allele CA2697557210.
Genomic context (GRCh38, chr7:35,248,682, plus strand): 5'-ACATTCTGACAGATGCACTAACAGTTTTCTCAGTGAAAAATCTGGAGGCACGAACCTGGC[TGGCAACGGCGGGTC>T]GGCCTTGCCAGCCACCAGCCAGGAGGACCGGTGGTAGGCGTAGCGGTACCTCTTGTTGTC-3'

ClinVar aggregate classification (germline): Pathogenic (1 of 4 stars; one submission).

Submission:

Labcorp Genetics (formerly Invitae), Labcorp
Classification: Pathogenic. Last evaluated: 2023-08-23. Review status: criteria provided, single submitter. Criteria: Invitae Variant Classification Sherloc (09022015). Collection method: clinical testing. Allele origin: germline.
Comment: This sequence change creates a premature translational stop signal (p.Asp176Serfs*14) in the TBX20 gene. It is expected to result in an absent or disrupted protein product. Loss-of-function variants in TBX20 are known to be pathogenic (PMID: 15901664, 25625280, 26118961, 27510170). This variant is not present in population databases (gnomAD no frequency). This variant has not been reported in the literature in individuals affected with TBX20-related conditions. For these reasons, this variant has been classified as Pathogenic.

Literature cited by the submitters: PubMed 15901664; PubMed 25625280; PubMed 26118961; PubMed 27510170.